The following is an entry in ClinVar:

NM_001267550.2(TTN):c.51416T>A (p.Val17139Asp)

Genes: TTN (titin; minus strand), TTN-AS1 (TTN antisense RNA 1; plus strand). Cytogenetic location: 2q31.2.
Variant type: single nucleotide variant.
Coding change: c.51416T>A on transcript NM_001267550.2 (MANE Select); coding-DNA position 51416, T replaced by A.
Protein change: p.Val17139Asp; replaces valine 17139 with aspartic acid.
Molecular consequence: missense variant.
Genome position (GRCh38, 1-based): chr2:178,610,110, A>T on the plus strand (T>A on the coding strand, the complement: TTN is on the minus strand). VCF-style: chr2-178610110-A-T. GRCh37 (hg19) VCF-style: chr2-179474837-A-T.
Other names: c.46493T>A, p.Val15498Asp (NM_001256850.1); c.24221T>A, p.Val8074Asp (NM_003319.4); c.43712T>A, p.Val14571Asp (NM_133378.4); c.24596T>A, p.Val8199Asp (NM_133432.3); c.24797T>A, p.Val8266Asp (NM_133437.4); short protein forms V15498D, V17139D, V14571D, V8074D, V8199D, V8266D.
Identifiers: ClinVar variation 1791034 (VCV001791034.2), dbSNP rs2470424781, ClinGen allele CA349586012.

ClinVar aggregate classification (germline): Uncertain significance (1 of 4 stars; one submission).

Conditions:
Cardiovascular phenotype. Identifiers: MedGen CN230736.

Submission:

Ambry Genetics
Classification: Uncertain significance for Cardiovascular phenotype. Last evaluated: 2019-09-11. Review status: criteria provided, single submitter. Criteria: Ambry Variant Classification Scheme 2023. Collection method: clinical testing. Allele origin: germline.
Comment: The p.V8074D variant (also known as c.24221T>A), located in coding exon 98 of the TTN gene, results from a T to A substitution at nucleotide position 24221. The valine at codon 8074 is replaced by aspartic acid, an amino acid with highly dissimilar properties. This amino acid position is not well conserved in available vertebrate species. In addition, the in silico prediction for this alteration is inconclusive. Since supporting evidence is limited at this time, the clinical significance of this alteration remains unclear.